The following is an entry in ClinVar:

NM_000487.6(ARSA):c.585G>T (p.Trp195Cys)

Gene: ARSA (arylsulfatase A; minus strand). Cytogenetic location: 22q13.33.
Variant type: single nucleotide variant.
Coding change: c.585G>T on transcript NM_000487.6 (MANE Select); coding-DNA position 585, G replaced by T.
Protein change: p.Trp195Cys; replaces tryptophan 195 with cysteine.
Molecular consequence: missense variant.
Genome position (GRCh38, 1-based): chr22:50,626,933, C>A on the plus strand (G>T on the coding strand, the complement: ARSA is on the minus strand). VCF-style: chr22-50626933-C-A. GRCh37 (hg19) VCF-style: chr22-51065361-C-A.
Other names: c.585G>T, p.Trp195Cys (NM_001085425.3, NM_001085426.3, NM_001085427.3); c.327G>T, p.Trp109Cys (NM_001085428.3, NM_001362782.2); short protein forms W195C, W109C.
Identifiers: ClinVar variation 93125 (VCV000093125.31), dbSNP rs6151415, ClinGen allele CA146675.
Genomic context (GRCh38, chr22:50,626,933, plus strand): 5'-CTGGGCGTCGGCCATGAGGTCATGGGCGAAAGCCATGTAGCGGGCCTCTAGTCCGGGCAG[C>A]CAGGGGGGCTGCGCCTCCACGGACAGGTTGGCCAACAGTGGGATGGGGACCAGGCCCTGG-3'
Protein context (NP_000478.3, residues 185-205): ANLSVEAQPP[Trp195Cys]LPGLEARYMA

ClinVar aggregate classification (germline): Benign. Review status: criteria provided, multiple submitters, no conflicts (2 of 4 stars). 14 submissions from 14 submitters: Benign (9). 5 of the submissions do not count toward it. Last evaluated 2026-02-04.

Conditions:
Citrullinemia. Identifiers: Orphanet 187, MedGen C0175683, MONDO:0015991.
Metachromatic leukodystrophy (MLD). Also called: METACHROMATIC LEUKOENCEPHALOPATHY; SULFATIDE LIPIDOSIS; Cerebral sclerosis diffuse metachromatic form; Arylsulfatase A Deficiency; ARSA DEFICIENCY; CEREBROSIDE SULFATASE DEFICIENCY. Identifiers: Orphanet 512, MedGen C0023522, MONDO:0018868, OMIM 250100.

Allele frequency attached by ClinVar (database versions not stated): ESP Exome Variant Server 0.05678; gnomAD exomes 0.07075 and 0.05293; gnomAD 0.05087 and 0.05295; 1000 Genomes Project 0.01897; 1000 Genomes Project 30x 0.01999; TOPMed 0.04585; ExAC 0.05361.
gnomAD v4.1: 110,485 of 1,613,172 alleles (6.8%); highest among the groups gnomAD compares: Non-Finnish European, 8%; 4,413 homozygotes.

Submissions (14):

Labcorp Genetics (formerly Invitae), Labcorp
Classification: Benign for Metachromatic leukodystrophy. Last evaluated: 2026-02-04. Review status: criteria provided, single submitter. Criteria: Invitae Variant Classification Sherloc (09022015). Collection method: clinical testing. Allele origin: germline.

Blueprint Genetics
Classification: Benign. Last evaluated: 2024-11-28. Review status: criteria provided, single submitter. Criteria: ACMG Guidelines, 2015. Collection method: clinical testing. Allele origin: germline.

Pars Genome Lab
Classification: Benign for Metachromatic leukodystrophy. Last evaluated: 2021-06-15. Review status: criteria provided, single submitter. Criteria: ACMG Guidelines, 2015. Collection method: clinical testing. Allele origin: germline. Affected: no.

Illumina Laboratory Services, Illumina
Classification: Benign for Metachromatic leukodystrophy. Last evaluated: 2018-03-06. Review status: criteria provided, single submitter. Criteria: ICSL Variant Classification Criteria 13 December 2019. Collection method: clinical testing. Allele origin: germline.
Comment: This variant was observed in the ICSL laboratory as part of a predisposition screen in an ostensibly healthy population. It had not been previously curated by ICSL or reported in the Human Gene Mutation Database (HGMD: prior to June 1st, 2018), and was therefore a candidate for classification through an automated scoring system. Utilizing variant allele frequency, disease prevalence and penetrance estimates, and inheritance mode, an automated score was calculated to assess if this variant is too frequent to cause the disease. Based on the score and internal cut-off values, a variant classified as benign is not then subjected to further curation. The score for this variant resulted in a classification of benign for this disease.

Athena Diagnostics
Classification: Benign for Metachromatic leukodystrophy. Last evaluated: 2017-06-29. Review status: criteria provided, single submitter. Criteria: Athena Diagnostics Criteria. Collection method: clinical testing. Allele origin: germline.

Eurofins Ntd Llc (ga)
Classification: Benign. Last evaluated: 2015-11-23. Review status: criteria provided, single submitter. Criteria: EGL Classification Definitions 2015. Collection method: clinical testing. Allele origin: germline. Observed: 56 variant alleles, 44 heterozygotes, 12 homozygotes.

GeneDx
Classification: Benign. Last evaluated: 2015-03-03. Review status: criteria provided, single submitter. Criteria: GeneDx Variant Classification Process June 2021. Collection method: clinical testing. Allele origin: germline. Affected: yes.
Comment: This variant is associated with the following publications: (PMID: 31836585, 28670130, 8897113)

Breakthrough Genomics
Classification: Benign. Review status: criteria provided, single submitter. Criteria: ACMG Guidelines, 2015. Collection method: not provided. Allele origin: germline. Inheritance: Autosomal recessive inheritance. Affected: yes.

PreventionGenetics, part of Exact Sciences
Classification: Benign. Review status: criteria provided, single submitter. Criteria: ACMG Guidelines, 2015. Collection method: clinical testing. Allele origin: germline.

Natera, Inc.
Classification: Benign for Citrullinemia. Last evaluated: 2020-09-16. Review status: no assertion criteria provided. Collection method: clinical testing. Allele origin: germline. Not counted in ClinVar's aggregate classification.

Mayo Clinic Laboratories, Mayo Clinic
Classification: Benign. Last evaluated: 2017-07-25. Review status: no assertion criteria provided. Collection method: clinical testing. Allele origin: unknown. Not counted in ClinVar's aggregate classification.

Clinical Genetics, Academic Medical Center
Classification: Benign. Review status: no assertion criteria provided. Collection method: clinical testing. Allele origin: germline. Affected: yes. Study: VKGL Data-share Consensus. Not counted in ClinVar's aggregate classification.

Diagnostic Laboratory, Department of Genetics, University Medical Center Groningen
Classification: Benign. Review status: no assertion criteria provided. Collection method: clinical testing. Allele origin: germline. Affected: yes. Study: VKGL Data-share Consensus. Not counted in ClinVar's aggregate classification.

Genome Diagnostics Laboratory, University Medical Center Utrecht
Classification: Benign. Review status: no assertion criteria provided. Collection method: clinical testing. Allele origin: germline. Affected: yes. Study: VKGL Data-share Consensus. Not counted in ClinVar's aggregate classification.